The following is an entry in ClinVar:

ClinVar aggregate classification (germline): Uncertain significance. Review status: criteria provided, multiple submitters, no conflicts (2 of 4 stars). 3 submissions from 3 submitters: Uncertain significance (2). 1 of the submissions does not count toward it. Last evaluated 2024-01-02.

Conditions:
Ehlers-Danlos syndrome, dermatosparaxis type. Also called: Dermatosparaxis; EDS VIIC; Ehlers-Danlos syndrome, type VII, autosomal recessive. Identifiers: Orphanet 1901, MedGen C2700425, MONDO:0009161, OMIM 225410.
Inborn genetic diseases. Identifiers: MedGen C0950123, MeSH D030342.

Allele frequency attached by ClinVar (database versions not stated): gnomAD exomes below 0.00001; ExAC 0.00001; gnomAD 0.00003.
gnomAD v4.1: 9 of 1,591,882 alleles (0.00057%); highest among the groups gnomAD compares: African/African-American, 0.0014%; no homozygotes.

Submissions (3):

Labcorp Genetics (formerly Invitae), Labcorp
Classification: Uncertain significance for Ehlers-Danlos syndrome, dermatosparaxis type. Last evaluated: 2024-01-02. Review status: criteria provided, single submitter. Criteria: Invitae Variant Classification Sherloc (09022015). Collection method: clinical testing. Allele origin: germline.
Comment: This sequence change replaces valine, which is neutral and non-polar, with leucine, which is neutral and non-polar, at codon 1041 of the ADAMTS2 protein (p.Val1041Leu). This variant is present in population databases (rs778184902, gnomAD 0.002%). This variant has not been reported in the literature in individuals affected with ADAMTS2-related conditions. ClinVar contains an entry for this variant (Variation ID: 658780). Algorithms developed to predict the effect of missense changes on protein structure and function output the following: SIFT: "Not Available"; PolyPhen-2: "Benign"; Align-GVGD: "Not Available". The leucine amino acid residue is found in multiple mammalian species, which suggests that this missense change does not adversely affect protein function. In summary, the available evidence is currently insufficient to determine the role of this variant in disease. Therefore, it has been classified as a Variant of Uncertain Significance.

Ambry Genetics
Classification: Uncertain significance for Inborn genetic diseases. Last evaluated: 2023-12-20. Review status: criteria provided, single submitter. Criteria: Ambry Variant Classification Scheme 2023. Collection method: clinical testing. Allele origin: germline.

Natera, Inc.
Classification: Uncertain significance for Ehlers-Danlos syndrome type VIIC. Last evaluated: 2020-01-17. Review status: no assertion criteria provided. Collection method: clinical testing. Allele origin: germline. Not counted in ClinVar's aggregate classification.

NM_014244.5(ADAMTS2):c.3121G>C (p.Val1041Leu)

Gene: ADAMTS2 (ADAM metallopeptidase with thrombospondin type 1 motif 2; minus strand). Cytogenetic location: 5q35.3.
Variant type: single nucleotide variant.
Coding change: c.3121G>C on transcript NM_014244.5 (MANE Select); coding-DNA position 3121, G replaced by C.
Protein change: p.Val1041Leu; replaces valine 1041 with leucine.
Molecular consequence: missense variant.
Genome position (GRCh38, 1-based): chr5:179,121,718, C>G on the plus strand (G>C on the coding strand, the complement: ADAMTS2 is on the minus strand). VCF-style: chr5-179121718-C-G. GRCh37 (hg19) VCF-style: chr5-178548719-C-G.
Other names: short protein forms V1041L.
Identifiers: ClinVar variation 658780 (VCV000658780.13), dbSNP rs778184902, ClinGen allele CA3595295.